The following is an entry in ClinVar:

ClinVar aggregate classification (germline): Likely pathogenic. Review status: criteria provided, single submitter (1 of 4 stars). 2 submissions from 2 submitters: Likely pathogenic (1). 1 of the submissions does not count toward it. Last evaluated 2024-01-01.

Conditions:
Developmental delay with variable intellectual impairment and behavioral abnormalities. Identifiers: MedGen C5193092, MONDO:0032745, OMIM 618430.

Submissions (2):

Daryl Scott Lab, Baylor College of Medicine
Classification: Likely pathogenic for Developmental delay with variable intellectual impairment and behavioral abnormalities. Last evaluated: 2024-01-01. Review status: criteria provided, single submitter. Criteria: ACMG Guidelines, 2015. Collection method: clinical testing. Allele origin: maternal. Affected: yes. Observed: 1 heterozygote.
Comment: PVS1, PM2

OMIM
Classification: Pathogenic for DEVELOPMENTAL DELAY WITH VARIABLE INTELLECTUAL IMPAIRMENT AND BEHAVIORAL ABNORMALITIES. Last evaluated: 2019-05-20. Review status: no assertion criteria provided. Collection method: literature only. Allele origin: germline. Not counted in ClinVar's aggregate classification.

Literature cited by the submitters: PubMed 30909959 (cited by OMIM).

NM_001378418.1(TCF20):c.310_313dup (p.Gln105fs)

Gene: TCF20 (transcription factor 20; minus strand). Cytogenetic location: 22q13.2.
Variant type: Duplication.
Coding change: c.310_313dup on transcript NM_001378418.1 (MANE Select); coding-DNA positions 310 to 313, 4 bases duplicated (CCAC; older notation c.310_313dupCCAC).
Protein change: p.Gln105fs; shifts the reading frame from glutamine 105.
Molecular consequence: frameshift variant.
Genome position (GRCh38, 1-based): chr22:42,214,993-42,214,996, GTGG duplicated on the plus strand (CCAC on the coding strand, the reverse complement: TCF20 is on the minus strand); duplicating any 4 consecutive bases within chr22:42,214,993-42,214,997 gives the same sequence; the c. name uses the placement nearest the transcript's 3' end. VCF-style (leftmost placement, unchanged base first): chr22-42214992-T-TGTGG. GRCh37 (hg19) VCF-style: chr22-42610998-T-TGTGG.
Other names: c.310_313dupCCAC (NM_005650.3, NM_001378418.1); c.310_313dup, p.Gln105fs (NM_005650.4, NM_181492.3); short protein forms Q105fs.
Identifiers: ClinVar variation 631506 (VCV000631506.2), dbSNP rs1569154591, ClinGen allele CA913190668.